The following is an entry in ClinVar:

NM_016532.4(INPP5K):c.169T>G (p.Ser57Ala)

Gene: INPP5K (inositol polyphosphate-5-phosphatase K; minus strand). Cytogenetic location: 17p13.3.
Variant type: single nucleotide variant.
Coding change: c.169T>G on transcript NM_016532.4 (MANE Select); coding-DNA position 169, T replaced by G.
Protein change: p.Ser57Ala; replaces serine 57 with alanine.
Molecular consequence: missense variant. On other transcripts: 5 prime UTR variant (2).
Genome position (GRCh38, 1-based): chr17:1,513,545, A>C on the plus strand (T>G on the coding strand, the complement: INPP5K is on the minus strand). VCF-style: chr17-1513545-A-C. GRCh37 (hg19) VCF-style: chr17-1416839-A-C.
Other names: p.Ser57Ala; c.-60T>G (NM_001135642.2, NM_130766.3); short protein forms S57A.
Identifiers: ClinVar variation 746037 (VCV000746037.5), dbSNP rs202042543, ClinGen allele CA8268678.

ClinVar aggregate classification (germline): Benign. Review status: criteria provided, multiple submitters, no conflicts (2 of 4 stars). 3 submissions from 3 submitters: Benign (3). Last evaluated 2025-02-26.

Conditions:
INPP5K-related disorder. Also called: INPP5K-related condition.

Allele frequency attached by ClinVar (database versions not stated): TOPMed 0.00002; gnomAD 0.00004 and 0.00069; gnomAD exomes 0.00203; ExAC 0.00258; 1000 Genomes Project 30x 0.00437; 1000 Genomes Project 0.00479.
gnomAD v4.1: 1,684 of 1,614,238 alleles (0.1%); highest among the groups gnomAD compares: South Asian, 1.6%; 24 homozygotes.

Submissions (3):

PreventionGenetics, part of Exact Sciences
Classification: Benign for INPP5K-related condition. Last evaluated: 2025-02-26. Review status: criteria provided, single submitter. Criteria: ACMG Guidelines, 2015. Collection method: clinical testing. Allele origin: germline.
Comment: This variant is classified as benign based on ACMG/AMP sequence variant interpretation guidelines (Richards et al. 2015 PMID: 25741868, with internal and published modifications).

Mayo Clinic Laboratories, Mayo Clinic
Classification: Benign. Last evaluated: 2023-03-09. Review status: criteria provided, single submitter. Criteria: ACMG Guidelines, 2015. Collection method: clinical testing. Allele origin: germline. Observed: 2 variant alleles.
Comment: BS1, BS2, BP4

Labcorp Genetics (formerly Invitae), Labcorp
Classification: Benign. Last evaluated: 2018-06-23. Review status: criteria provided, single submitter. Criteria: Invitae Variant Classification Sherloc (09022015). Collection method: clinical testing. Allele origin: germline.